The following is an entry in ClinVar:

ClinVar aggregate classification (germline): Conflicting classifications of pathogenicity. Review status: criteria provided, conflicting classifications (1 of 4 stars). 2 submissions from 2 submitters: Uncertain significance (1); Likely benign (1). Last evaluated 2023-11-20.

Allele frequency attached by ClinVar (database versions not stated): gnomAD 0.00001; gnomAD exomes 0.00002; TOPMed 0.00002; ExAC 0.00005; 1000 Genomes Project 30x 0.00016; 1000 Genomes Project 0.00020.
gnomAD v4.1: 29 of 1,599,480 alleles (0.0018%); highest among the groups gnomAD compares: Admixed American, 0.0036%; no homozygotes.

Submissions (2):

Blueprint Genetics
Classification: Likely benign. Last evaluated: 2023-11-20. Review status: criteria provided, single submitter. Criteria: ACMG Guidelines, 2015. Collection method: clinical testing. Allele origin: germline.

Labcorp Genetics (formerly Invitae), Labcorp
Classification: Uncertain significance. Last evaluated: 2022-08-16. Review status: criteria provided, single submitter. Criteria: Invitae Variant Classification Sherloc (09022015). Collection method: clinical testing. Allele origin: germline.
Comment: In summary, the available evidence is currently insufficient to determine the role of this variant in disease. Therefore, it has been classified as a Variant of Uncertain Significance. Variants that disrupt the consensus splice site are a relatively common cause of aberrant splicing (PMID: 17576681, 9536098). Algorithms developed to predict the effect of sequence changes on RNA splicing suggest that this variant is not likely to affect RNA splicing. This variant has not been reported in the literature in individuals affected with MAP3K7-related conditions. This variant is present in population databases (rs201582545, gnomAD 0.01%). This sequence change falls in intron 7 of the MAP3K7 gene. It does not directly change the encoded amino acid sequence of the MAP3K7 protein. It affects a nucleotide within the consensus splice site.

Literature cited by the submitters: PubMed 17576681 (cited by Labcorp Genetics (formerly Invitae), Labcorp); PubMed 9536098 (cited by Labcorp Genetics (formerly Invitae), Labcorp).

NM_145331.3(MAP3K7):c.736+4C>T

Gene: MAP3K7 (mitogen-activated protein kinase kinase kinase 7; minus strand). Cytogenetic location: 6q15.
Variant type: single nucleotide variant.
Coding change: c.736+4C>T on transcript NM_145331.3 (MANE Select); 4 bases into the intron after coding-DNA position 736, C replaced by T.
Molecular consequence: intron variant.
Genome position (GRCh38, 1-based): chr6:90,553,454, G>A on the plus strand (C>T on the coding strand, the complement: MAP3K7 is on the minus strand). VCF-style: chr6-90553454-G-A. GRCh37 (hg19) VCF-style: chr6-91263173-G-A.
Other names: c.736+4C>T (NM_145333.3, NM_003188.4, NM_145332.3).
Identifiers: ClinVar variation 2167417 (VCV002167417.5), dbSNP rs201582545, ClinGen allele CA3928575.